The following is an entry in ClinVar:

NM_015450.3(POT1):c.1789A>T (p.Ile597Phe)

Gene: POT1 (protection of telomeres 1; minus strand). Cytogenetic location: 7q31.33.
Variant type: single nucleotide variant.
Coding change: c.1789A>T on transcript NM_015450.3 (MANE Select); coding-DNA position 1789, A replaced by T.
Protein change: p.Ile597Phe; replaces isoleucine 597 with phenylalanine.
Molecular consequence: missense variant. On other transcripts: non-coding transcript variant (3).
Genome position (GRCh38, 1-based): chr7:124,825,255, T>A on the plus strand (A>T on the coding strand, the complement: POT1 is on the minus strand). VCF-style: chr7-124825255-T-A. GRCh37 (hg19) VCF-style: chr7-124465309-T-A.
Other names: c.1396A>T, p.Ile466Phe (NM_001042594.2); short protein forms I466F, I597F.
Identifiers: ClinVar variation 1780147 (VCV001780147.2), dbSNP rs2485337670, ClinGen allele CA369062072.

ClinVar aggregate classification (germline): Uncertain significance (1 of 4 stars; one submission).

Conditions:
Hereditary cancer-predisposing syndrome. Also called: Neoplastic Syndromes, Hereditary; Tumor predisposition; Hereditary Cancer Syndrome; Hereditary neoplastic syndrome. Identifiers: Orphanet 140162, MedGen C0027672, MeSH D009386, MONDO:0015356.

Submission:

Ambry Genetics
Classification: Uncertain significance for Hereditary cancer-predisposing syndrome. Last evaluated: 2022-01-11. Review status: criteria provided, single submitter. Criteria: Ambry Variant Classification Scheme 2023. Collection method: clinical testing. Allele origin: germline.
Comment: The p.I597F variant (also known as c.1789A>T), located in coding exon 14 of the POT1 gene, results from an A to T substitution at nucleotide position 1789. The isoleucine at codon 597 is replaced by phenylalanine, an amino acid with highly similar properties. This amino acid position is not well conserved in available vertebrate species. In addition, this alteration is predicted to be tolerated by in silico analysis. Since supporting evidence is limited at this time, the clinical significance of this alteration remains unclear.